The following is an entry in ClinVar:

ClinVar aggregate classification (germline): Uncertain significance (1 of 4 stars; one submission).

Submission:

GeneDx
Classification: Uncertain significance. Last evaluated: 2023-12-03. Review status: criteria provided, single submitter. Criteria: GeneDx Variant Classification Process June 2021. Collection method: clinical testing. Allele origin: germline. Affected: yes.
Comment: Has not been previously published as pathogenic or benign to our knowledge; Not observed at significant frequency in large population cohorts (gnomAD); In silico analysis supports that this missense variant has a deleterious effect on protein structure/function

NM_003470.3(USP7):c.489T>G (p.Asn163Lys)

Gene: USP7 (ubiquitin specific peptidase 7; minus strand). Cytogenetic location: 16p13.2.
Variant type: single nucleotide variant.
Coding change: c.489T>G on transcript NM_003470.3 (MANE Select); coding-DNA position 489, T replaced by G.
Protein change: p.Asn163Lys; replaces asparagine 163 with lysine.
Molecular consequence: missense variant. On other transcripts: non-coding transcript variant (1).
Genome position (GRCh38, 1-based): chr16:8,921,190, A>C on the plus strand (T>G on the coding strand, the complement: USP7 is on the minus strand). VCF-style: chr16-8921190-A-C. GRCh37 (hg19) VCF-style: chr16-9015047-A-C.
Other names: c.441T>G, p.Asn147Lys (NM_001286457.2); c.192T>G, p.Asn64Lys (NM_001286458.2); c.315T>G, p.Asn105Lys (NM_001321858.2); short protein forms N105K, N147K, N163K, N64K.
Identifiers: ClinVar variation 3365204 (VCV003365204.1).